The following is an entry in ClinVar:

ClinVar aggregate classification (germline): Uncertain significance (1 of 4 stars; one submission).

Conditions:
PMM2-congenital disorder of glycosylation. Also called: JAEKEN SYNDROME; PHOSPHOMANNOMUTASE 2 DEFICIENCY; CARBOHYDRATE-DEFICIENT GLYCOPROTEIN SYNDROME, TYPE Ia; Congenital disorder of glycosylation, type Ia; PMM2-CDG; CDG Ia. Identifiers: Orphanet 79318, MedGen C0349653, MONDO:0008907, OMIM 212065.

Allele frequency attached by ClinVar (database versions not stated): gnomAD exomes below 0.00001; gnomAD 0.00002; TOPMed 0.00003; ESP Exome Variant Server 0.00008.
gnomAD v4.1: 8 of 1,557,102 alleles (0.00051%); highest among the groups gnomAD compares: African/African-American, 0.0082%; no homozygotes.

Submission:

Labcorp Genetics (formerly Invitae), Labcorp
Classification: Uncertain significance for PMM2-congenital disorder of glycosylation. Last evaluated: 2022-08-06. Review status: criteria provided, single submitter. Criteria: Invitae Variant Classification Sherloc (09022015). Collection method: clinical testing. Allele origin: germline.
Comment: This sequence change replaces tyrosine, which is neutral and polar, with cysteine, which is neutral and slightly polar, at codon 145 of the PMM2 protein (p.Tyr145Cys). The frequency data for this variant in the population databases is considered unreliable, as metrics indicate poor data quality at this position in the gnomAD database. This variant has not been reported in the literature in individuals affected with PMM2-related conditions. Algorithms developed to predict the effect of missense changes on protein structure and function (SIFT, PolyPhen-2, Align-GVGD) all suggest that this variant is likely to be tolerated. In summary, the available evidence is currently insufficient to determine the role of this variant in disease. Therefore, it has been classified as a Variant of Uncertain Significance.

NM_000303.3(PMM2):c.434A>G (p.Tyr145Cys)

Gene: PMM2 (phosphomannomutase 2; plus strand). Cytogenetic location: 16p13.2.
Variant type: single nucleotide variant.
Coding change: c.434A>G on transcript NM_000303.3 (MANE Select); coding-DNA position 434, A replaced by G.
Protein change: p.Tyr145Cys; replaces tyrosine 145 with cysteine.
Molecular consequence: missense variant.
Genome position (GRCh38, 1-based): chr16:8,811,165, A>G. VCF-style: chr16-8811165-A-G. GRCh37 (hg19) VCF-style: chr16-8905022-A-G.
Other names: short protein forms Y145C.
Identifiers: ClinVar variation 2151906 (VCV002151906.1), dbSNP rs374967404, ClinGen allele CA7894055.